The following is an entry in ClinVar:

NM_003356.4(UCP3):c.127-5C>A

Gene: UCP3 (uncoupling protein 3; minus strand). Cytogenetic location: 11q13.4.
Variant type: single nucleotide variant.
Coding change: c.127-5C>A on transcript NM_003356.4 (MANE Select); 5 bases into the intron before coding-DNA position 127, C replaced by A.
Molecular consequence: intron variant.
Genome position (GRCh38, 1-based): chr11:74,006,384, G>T on the plus strand (C>A on the coding strand, the complement: UCP3 is on the minus strand). VCF-style: chr11-74006384-G-T. GRCh37 (hg19) VCF-style: chr11-73717429-G-T.
Other names: c.127-5C>A (NM_022803.3).
Identifiers: ClinVar variation 3036451 (VCV003036451.2), dbSNP rs747722881, ClinGen allele CA6181620.
Genomic context (GRCh38, chr11:74,006,384, plus strand): 5'-ACGCCACGGTACTGCACGAGCCGGGCCGTCTGGACCGCCTGGTTCTCCCCCTGGATCTGA[G>T]GGACAATAGCAGGGGGTGAGGACTCAGATGGGAAGGCAAGAAGGGGCTGCGTGCACAGGA-3'

ClinVar aggregate classification (germline): Likely benign (0 of 4 stars; one submission).

Conditions:
UCP3-related disorder. Also called: UCP3-related condition.

gnomAD v4.1: 2 of 1,554,572 alleles (0.00013%); highest among the groups gnomAD compares: Admixed American, 0.0036%; no homozygotes.

Submission:

PreventionGenetics, part of Exact Sciences
Classification: Likely benign for UCP3-related condition. Last evaluated: 2022-01-12. Review status: no assertion criteria provided. Collection method: clinical testing. Allele origin: germline.
Comment: This variant is classified as likely benign based on ACMG/AMP sequence variant interpretation guidelines (Richards et al. 2015 PMID: 25741868, with internal and published modifications).